The following is an entry in ClinVar:

ClinVar aggregate classification (germline): Uncertain significance (1 of 4 stars; one submission).

Submission:

Women's Health and Genetics/Laboratory Corporation of America, LabCorp
Classification: Uncertain significance. Last evaluated: 2025-03-03. Review status: criteria provided, single submitter. Criteria: LabCorp Variant Classification Summary - May 2015. Collection method: clinical testing. Allele origin: germline.
Comment: Variant summary: TAF4 c.1002_1003delinsAA (p.Ala335Thr) results in a non-conservative amino acid change in the encoded protein sequence. Four of five in-silico tools predict a benign effect of the variant on protein function. The variant allele was found as a multinucleotide combination of 20-60639864-C-T and 20-60639865-C-T in the gnomAD database at a frequency of 4.4e-05 in 22786 control chromosomes. The available data on variant occurrences in the general population are insufficient to allow any conclusion about variant significance. To our knowledge, no occurrence of c.1002_1003delinsAA in individuals affected with Autosomal Dominant Intellectual Developmental Disorder 73 and no experimental evidence demonstrating its impact on protein function have been reported. No submitters have cited clinical-significance assessments for this variant to ClinVar. Based on the evidence outlined above, the variant was classified as uncertain significance.

NM_003185.4(TAF4):c.1002_1003delinsAA (p.Ala335Thr)

Genes: MIR3195 (microRNA 3195; plus strand), TAF4 (TATA-box binding protein associated factor 4; minus strand). Cytogenetic location: 20q13.33.
Variant type: Indel.
Coding change: c.1002_1003delinsAA on transcript NM_003185.4 (MANE Select); coding-DNA positions 1002 to 1003, GG replaced by AA.
Protein change: p.Ala335Thr; replaces alanine 335 with threonine.
Molecular consequence: missense variant. On other transcripts: non-coding transcript variant (1).
Genome position (GRCh38, 1-based): chr20:62,064,808-62,064,809, CC replaced by TT on the plus strand (GG replaced by AA on the coding strand, the reverse complement: TAF4 is on the minus strand). VCF-style: chr20-62064808-CC-TT. GRCh37 (hg19) VCF-style: chr20-60639864-CC-TT.
Other names: short protein forms A335T.
Identifiers: ClinVar variation 3895864 (VCV003895864.1).
Genomic context (GRCh38, chr20:62,064,808, plus strand): 5'-GCGCCGCCTGCACCACCCTCTTGGGCGACTCGGCCTTGACCCCCGGCGCCGGCGCCGCAG[CC>TT]GCCGCGCCGGGCCCGGGTTGGCCGCTGACCCCCGCGGGGCCCCCGGCGGCCGGGGCGGGG-3'
Protein context (NP_003176.2, residues 325-345): VSGQPGPGAA[Ala335Thr]AAPAPGVKAE